The following is an entry in ClinVar:

NM_020549.5(CHAT):c.82A>G (p.Arg28Gly)

Gene: CHAT (choline O-acetyltransferase; plus strand). Cytogenetic location: 10q11.23.
Variant type: single nucleotide variant.
Coding change: c.82A>G on transcript NM_020549.5 (MANE Select); coding-DNA position 82, A replaced by G.
Protein change: p.Arg28Gly; replaces arginine 28 with glycine.
Molecular consequence: missense variant. On other transcripts: 5 prime UTR variant (3), intron variant (3).
Genome position (GRCh38, 1-based): chr10:49,614,271, A>G. VCF-style: chr10-49614271-A-G. GRCh37 (hg19) VCF-style: chr10-50822317-A-G.
Other names: c.-273A>G (NM_001142929.2); c.-235A>G (NM_001142933.2); c.-343A>G (NM_001142934.2); c.-68-2231A>G (NM_020984.4); c.-240-33A>G (NM_020985.4); c.-69+1069A>G (NM_020986.4); short protein forms R28G.
Identifiers: ClinVar variation 1934713 (VCV001934713.5), dbSNP rs2496286559, ClinGen allele CA376724802.

ClinVar aggregate classification (germline): Uncertain significance (1 of 4 stars; one submission).

Conditions:
Familial infantile myasthenia (CMS6). Also called: MYASTHENIC SYNDROME, CONGENITAL, 6, PRESYNAPTIC; Congenital myasthenic syndrome type 6; MYASTHENIC SYNDROME, PRESYNAPTIC, CONGENITAL, ASSOCIATED WITH EPISODIC APNEA. Identifiers: Orphanet 590, MedGen C0393929, MONDO:0009689, OMIM 254210.

Submission:

Labcorp Genetics (formerly Invitae), Labcorp
Classification: Uncertain significance for Familial infantile myasthenia. Last evaluated: 2025-01-15. Review status: criteria provided, single submitter. Criteria: Invitae Variant Classification Sherloc (09022015). Collection method: clinical testing. Allele origin: germline.
Comment: This sequence change replaces arginine, which is basic and polar, with glycine, which is neutral and non-polar, at codon 28 of the CHAT protein (p.Arg28Gly). This variant is not present in population databases (gnomAD no frequency). This variant has not been reported in the literature in individuals affected with CHAT-related conditions. ClinVar contains an entry for this variant (Variation ID: 1934713). Invitae Evidence Modeling of protein sequence and biophysical properties (such as structural, functional, and spatial information, amino acid conservation, physicochemical variation, residue mobility, and thermodynamic stability) indicates that this missense variant is not expected to disrupt CHAT protein function with a negative predictive value of 95%. In summary, the available evidence is currently insufficient to determine the role of this variant in disease. Therefore, it has been classified as a Variant of Uncertain Significance.